The following is an entry in ClinVar:

ClinVar aggregate classification (germline): Benign. Review status: criteria provided, multiple submitters, no conflicts (2 of 4 stars). 10 submissions from 9 submitters: Benign (9). 1 of the submissions does not count toward it. Last evaluated 2026-02-04.

Conditions:
Fetal akinesia deformation sequence 1 (FADS1). Also called: Pena-Shokeir syndrome type I; Fetal akinesia sequence. Identifiers: Orphanet 994, MedGen C1276035, MONDO:0100101, OMIM 208150, HP:0001989.
Congenital myasthenic syndrome 11. Also called: MYASTHENIC SYNDROME, CONGENITAL, Ie; Myasthenic syndrome, congenital, 11, associated with acetylcholine receptor deficiency. Identifiers: Orphanet 590, MedGen C4225367, MONDO:0014588, OMIM 616326.
Congenital myasthenic syndrome (CMS). Also called: Congenital Myasthenic Syndromes. Identifiers: Orphanet 590, MedGen C0751882, MeSH D020294, MONDO:0018940.

Allele frequency attached by ClinVar (database versions not stated): gnomAD exomes 0.00440 and 0.00786; ExAC 0.00917; 1000 Genomes Project 30x 0.01593; 1000 Genomes Project 0.01617; TOPMed 0.01731; gnomAD 0.01745 and 0.01874; ESP Exome Variant Server 0.02024.
gnomAD v4.1: 9,177 of 1,613,790 alleles (0.57%); highest among the groups gnomAD compares: African/African-American, 4.9%; 131 homozygotes.

Submissions (10):

Labcorp Genetics (formerly Invitae), Labcorp
Classification: Benign for Congenital myasthenic syndrome 11; Fetal akinesia deformation sequence 1. Last evaluated: 2026-02-04. Review status: criteria provided, single submitter. Criteria: Invitae Variant Classification Sherloc (09022015). Collection method: clinical testing. Allele origin: germline.

Mayo Clinic Laboratories, Mayo Clinic
Classification: Benign. Last evaluated: 2024-02-29. Review status: criteria provided, single submitter. Criteria: ACMG Guidelines, 2015. Collection method: clinical testing. Allele origin: germline. Observed: 10 variant alleles.
Comment: BS1, BS2, BP4

Illumina Laboratory Services, Illumina
Classification: Benign for Congenital myasthenic syndrome 11. Last evaluated: 2018-01-13. Review status: criteria provided, single submitter. Criteria: ICSL Variant Classification Criteria 13 December 2019. Collection method: clinical testing. Allele origin: germline.
Comment: This variant was observed in the ICSL laboratory as part of a predisposition screen in an ostensibly healthy population. It had not been previously curated by ICSL or reported in the Human Gene Mutation Database (HGMD: prior to June 1st, 2018), and was therefore a candidate for classification through an automated scoring system. Utilizing variant allele frequency, disease prevalence and penetrance estimates, and inheritance mode, an automated score was calculated to assess if this variant is too frequent to cause the disease. Based on the score and internal cut-off values, a variant classified as benign is not then subjected to further curation. The score for this variant resulted in a classification of benign for this disease.

Illumina Laboratory Services, Illumina
Classification: Benign for Fetal akinesia deformation sequence 1. Last evaluated: 2018-01-13. Review status: criteria provided, single submitter. Criteria: ICSL Variant Classification Criteria 13 December 2019. Collection method: clinical testing. Allele origin: germline.
Comment: the same text as in the submission from Illumina Laboratory Services, Illumina above.

Athena Diagnostics
Classification: Benign. Last evaluated: 2017-05-11. Review status: criteria provided, single submitter. Criteria: Athena Diagnostics Criteria. Collection method: clinical testing. Allele origin: germline.

GeneDx
Classification: Benign. Last evaluated: 2016-11-30. Review status: criteria provided, single submitter. Criteria: GeneDx Variant Classification (06012015). Collection method: clinical testing. Allele origin: germline. Affected: yes.
Comment: This variant is considered likely benign or benign based on one or more of the following criteria: it is a conservative change, it occurs at a poorly conserved position in the protein, it is predicted to be benign by multiple in silico algorithms, and/or has population frequency not consistent with disease.

Center for Pediatric Genomic Medicine, Children's Mercy Hospital and Clinics
Classification: Benign. Last evaluated: 2016-01-06. Review status: criteria provided, single submitter. Criteria: ACMG Guidelines, 2015. Collection method: clinical testing. Allele origin: germline.

Breakthrough Genomics
Classification: Benign. Review status: criteria provided, single submitter. Criteria: ACMG Guidelines, 2015. Collection method: not provided. Allele origin: germline. Inheritance: Autosomal recessive inheritance. Affected: yes.

PreventionGenetics, part of Exact Sciences
Classification: Benign. Review status: criteria provided, single submitter. Criteria: ACMG Guidelines, 2015. Collection method: clinical testing. Allele origin: germline.

Natera, Inc.
Classification: Benign for Congenital myasthenic syndrome. Last evaluated: 2021-01-13. Review status: no assertion criteria provided. Collection method: clinical testing. Allele origin: germline. Not counted in ClinVar's aggregate classification.

NM_005055.5(RAPSN):c.241T>C (p.Phe81Leu)

Gene: RAPSN (receptor associated protein of the synapse; minus strand). Cytogenetic location: 11p11.2.
Variant type: single nucleotide variant.
Coding change: c.241T>C on transcript NM_005055.5 (MANE Select); coding-DNA position 241, T replaced by C.
Protein change: p.Phe81Leu; replaces phenylalanine 81 with leucine.
Molecular consequence: missense variant.
Genome position (GRCh38, 1-based): chr11:47,448,102, A>G on the plus strand (T>C on the coding strand, the complement: RAPSN is on the minus strand). VCF-style: chr11-47448102-A-G. GRCh37 (hg19) VCF-style: chr11-47469654-A-G.
Other names: c.241T>C, p.Phe81Leu (NM_032645.5); short protein forms F81L.
Identifiers: ClinVar variation 235304 (VCV000235304.20), dbSNP rs57878668, ClinGen allele CA5976776.